The following is an entry in ClinVar:

ClinVar aggregate classification (germline): Uncertain significance (1 of 4 stars; one submission).

Submission:

GeneDx
Classification: Uncertain significance. Last evaluated: 2025-08-12. Review status: criteria provided, single submitter. Criteria: GeneDx Variant Classification Process June 2021. Collection method: clinical testing. Allele origin: germline.
Comment: Not observed at significant frequency in large population cohorts (gnomAD); In silico analysis supports that this missense variant has a deleterious effect on protein structure/function; Has not been previously published as pathogenic or benign to our knowledge; This variant is associated with the following publications: (PMID: 25641508)

NM_001278116.2(L1CAM):c.832C>T (p.Arg278Cys)

Gene: L1CAM (L1 cell adhesion molecule; minus strand). Cytogenetic location: Xq28.
Variant type: single nucleotide variant.
Coding change: c.832C>T on transcript NM_001278116.2 (MANE Select); coding-DNA position 832, C replaced by T.
Protein change: p.Arg278Cys; replaces arginine 278 with cysteine.
Molecular consequence: missense variant.
Genome position (GRCh38, 1-based): chrX:153,870,215, G>A on the plus strand (C>T on the coding strand, the complement: L1CAM is on the minus strand). VCF-style: chrX-153870215-G-A. GRCh37 (hg19) VCF-style: chrX-153135670-G-A.
Other names: c.832C>T, p.Arg278Cys (NM_000425.5, NM_024003.3); c.817C>T, p.Arg273Cys (NM_001143963.2); short protein forms R273C, R278C.
Identifiers: ClinVar variation 3777523 (VCV003777523.2).
Genomic context (GRCh38, chrX:153,870,215, plus strand): 5'-GCAGGGTCTTGTTGTGGTTCTGGTAGGTGACACGGTCGGCTGGCATGGGGCCACTGGGGC[G>A]CAGCCATTTGATGGTGGGCGTGGGACTGCCCGGGAGGCAAAGGGAAGAGAGCAGAAGGGA-3'
Protein context (NP_001265045.1, residues 268-288): GFPTPTIKWL[Arg278Cys]PSGPMPADRV